The following is an entry in ClinVar:

NM_015161.3(ARL6IP1):c.409-86A>G

Gene: ARL6IP1 (ARL6 interacting reticulophagy regulator 1; minus strand). Cytogenetic location: 16p12.3.
Variant type: single nucleotide variant.
Coding change: c.409-86A>G on transcript NM_015161.3 (MANE Select); 86 bases into the intron before coding-DNA position 409, A replaced by G.
Molecular consequence: intron variant.
Genome position (GRCh38, 1-based): chr16:18,794,769, T>C on the plus strand (A>G on the coding strand, the complement: ARL6IP1 is on the minus strand). VCF-style: chr16-18794769-T-C. GRCh37 (hg19) VCF-style: chr16-18806091-T-C.
Other names: c.322-86A>G (NM_001313858.1).
Identifiers: ClinVar variation 1700951 (VCV001700951.2), dbSNP rs113687501, ClinGen allele CA278678993.
Genomic context (GRCh38, chr16:18,794,769, plus strand): 5'-ATCAAAACTTCATGTGACACCATAAATATATGTAATTTTTATTTGTCAATTAAAGAAGAA[T>C]GTGTTTCAAAGTTCGGGAAATAATTTAGCTTTTATTATCACTTTTCTTTAAAAATTCTTA-3'

ClinVar aggregate classification (germline): Likely benign (1 of 4 stars; one submission).

Allele frequency attached by ClinVar (database versions not stated): gnomAD 0.01027 and 0.01098; TOPMed 0.01164; 1000 Genomes Project 0.01218; 1000 Genomes Project 30x 0.01265.
gnomAD v4.1: 2,427 of 996,154 alleles (0.24%); highest among the groups gnomAD compares: African/African-American, 3.5%; 48 homozygotes.

Submission:

GeneDx
Classification: Likely benign. Last evaluated: 2021-08-23. Review status: criteria provided, single submitter. Criteria: GeneDx Variant Classification Process June 2021. Collection method: clinical testing. Allele origin: germline. Affected: yes.
Comment: See Variant Classification Assertion Criteria.